The following is an entry in ClinVar:

NM_006767.4(LZTR1):c.2474_2509del (p.Ala825_Leu836del)

Gene: LZTR1 (leucine zipper like post translational regulator 1; plus strand). Cytogenetic location: 22q11.21.
Variant type: Deletion.
Coding change: c.2474_2509del on transcript NM_006767.4 (MANE Select); coding-DNA positions 2474 to 2509, 36 bases deleted.
Protein change: p.Ala825_Leu836del.
Molecular consequence: inframe deletion.
Genome position (GRCh38, 1-based): chr22:20,997,299-20,997,334, 36 bases deleted; deleting any 36 consecutive bases within chr22:20,997,295-20,997,334 gives the same sequence; the c. name uses the placement nearest the transcript's 3' end. GRCh37 (hg19): chr22:21,351,588-21,351,623.
Identifiers: ClinVar variation 1946351 (VCV001946351.5), dbSNP rs2518626801, ClinGen allele CA2580099350.

ClinVar aggregate classification (germline): Uncertain significance (1 of 4 stars; one submission).

Submission:

Labcorp Genetics (formerly Invitae), Labcorp
Classification: Uncertain significance. Last evaluated: 2024-07-24. Review status: criteria provided, single submitter. Criteria: Invitae Variant Classification Sherloc (09022015). Collection method: clinical testing. Allele origin: germline.
Comment: This variant, c.2474_2509del, results in the deletion of 12 amino acid(s) of the LZTR1 protein (p.Ala825_Leu836del), but otherwise preserves the integrity of the reading frame. This variant is not present in population databases (gnomAD no frequency). This variant has not been reported in the literature in individuals affected with LZTR1-related conditions. ClinVar contains an entry for this variant (Variation ID: 1946351). Experimental studies and prediction algorithms are not available or were not evaluated, and the functional significance of this variant is currently unknown. In summary, the available evidence is currently insufficient to determine the role of this variant in disease. Therefore, it has been classified as a Variant of Uncertain Significance.